The following is an entry in ClinVar:

NM_001164508.2(NEB):c.11805+1G>A

Gene: NEB (nebulin; minus strand). Cytogenetic location: 2q23.3.
Variant type: single nucleotide variant.
Coding change: c.11805+1G>A on transcript NM_001164508.2 (MANE Select); the canonical splice donor site of the intron after coding-DNA position 11805, G replaced by A.
Molecular consequence: splice donor variant.
Genome position (GRCh38, 1-based): chr2:151,612,185, C>T on the plus strand (G>A on the coding strand, the complement: NEB is on the minus strand). VCF-style: chr2-151612185-C-T. GRCh37 (hg19) VCF-style: chr2-152468699-C-T.
Other names: c.11076+1G>A (NM_004543.5); c.11805+1G>A (NM_001164507.2, NM_001271208.2).
Identifiers: ClinVar variation 2846019 (VCV002846019.3), dbSNP rs2552228967, ClinGen allele CA348779867.

ClinVar aggregate classification (germline): Likely pathogenic (1 of 4 stars; one submission).

Conditions:
Nemaline myopathy 2 (NEM2). Also called: Nemaline myopathy 2, autosomal recessive. Identifiers: MedGen C1850569, MONDO:0009725, OMIM 256030.

Allele frequency attached by ClinVar (database versions not stated): gnomAD exomes below 0.00001.
gnomAD v4.1: 1 of 1,612,806 alleles (0.000062%); highest among the groups gnomAD compares: Non-Finnish European, 0.000085%; no homozygotes.

Submission:

Labcorp Genetics (formerly Invitae), Labcorp
Classification: Likely pathogenic for Nemaline myopathy 2. Last evaluated: 2023-03-15. Review status: criteria provided, single submitter. Criteria: Invitae Variant Classification Sherloc (09022015). Collection method: clinical testing. Allele origin: germline.
Comment: In summary, the currently available evidence indicates that the variant is pathogenic, but additional data are needed to prove that conclusively. Therefore, this variant has been classified as Likely Pathogenic. Algorithms developed to predict the effect of sequence changes on RNA splicing suggest that this variant may disrupt the consensus splice site. This variant has not been reported in the literature in individuals affected with NEB-related conditions. This variant is not present in population databases (gnomAD no frequency). This sequence change affects a donor splice site in intron 78 of the NEB gene. It is expected to disrupt RNA splicing. Variants that disrupt the donor or acceptor splice site typically lead to a loss of protein function (PMID: 16199547), and loss-of-function variants in NEB are known to be pathogenic (PMID: 25205138).

Literature cited by the submitters: PubMed 16199547; PubMed 25205138.